The following is an entry in ClinVar:

ClinVar aggregate classification (germline): Likely pathogenic (1 of 4 stars; one submission).

Conditions:
Primary ciliary dyskinesia. Also called: Ciliary dyskinesia. Identifiers: Orphanet 244, MedGen C0008780, MONDO:0016575, HP:0012265.

gnomAD v4.1: 1 of 1,591,956 alleles (0.000063%); no homozygotes.

Submission:

Labcorp Genetics (formerly Invitae), Labcorp
Classification: Likely pathogenic for Primary ciliary dyskinesia. Last evaluated: 2025-02-03. Review status: criteria provided, single submitter. Criteria: Invitae Variant Classification Sherloc (09022015). Collection method: clinical testing. Allele origin: germline.
Comment: This sequence change affects an acceptor splice site in intron 63 of the DNAH8 gene. It is expected to disrupt RNA splicing. Variants that disrupt the donor or acceptor splice site typically lead to a loss of protein function (PMID: 16199547), and loss-of-function variants in DNAH8 are known to be pathogenic (PMID: 24307375, 32619401, 32681648). This variant is not present in population databases (gnomAD no frequency). This variant has not been reported in the literature in individuals affected with DNAH8-related conditions. ClinVar contains an entry for this variant (Variation ID: 454609). Algorithms developed to predict the effect of sequence changes on RNA splicing suggest that this variant may disrupt the consensus splice site. In summary, the currently available evidence indicates that the variant is pathogenic, but additional data are needed to prove that conclusively. Therefore, this variant has been classified as Likely Pathogenic.

Literature cited by the submitters: PubMed 16199547; PubMed 24307375; PubMed 32619401; PubMed 32681648.

NM_001206927.2(DNAH8):c.9349-1G>T

Genes: DNAH8 (dynein axonemal heavy chain 8; plus strand), DNAH8-AS1 (DNAH8 antisense RNA 1; minus strand). Cytogenetic location: 6p21.2.
Variant type: single nucleotide variant.
Coding change: c.9349-1G>T on transcript NM_001206927.2 (MANE Select); the canonical splice acceptor site of the intron before coding-DNA position 9349, G replaced by T.
Molecular consequence: splice acceptor variant.
Genome position (GRCh38, 1-based): chr6:38,907,955, G>T. VCF-style: chr6-38907955-G-T. GRCh37 (hg19) VCF-style: chr6-38875731-G-T.
Other names: c.8698-1G>T (NM_001371.4).
Identifiers: ClinVar variation 454609 (VCV000454609.7), dbSNP rs1554132747, ClinGen allele CA364001581.